The following is an entry in ClinVar:

ClinVar aggregate classification (germline): Conflicting classifications of pathogenicity. Review status: criteria provided, conflicting classifications (1 of 4 stars). 2 submissions from 2 submitters: Uncertain significance (1); Likely benign (1). Last evaluated 2023-03-23.

Conditions:
Hereditary cancer-predisposing syndrome. Also called: Hereditary neoplastic syndrome; Neoplastic Syndromes, Hereditary; Hereditary Cancer Syndrome; Tumor predisposition. Identifiers: Orphanet 140162, MedGen C0027672, MeSH D009386, MONDO:0015356.
Hereditary breast ovarian cancer syndrome. Also called: BRCA1- and BRCA2-Associated Hereditary Breast and Ovarian Cancer; Hereditary breast and ovarian cancer syndrome (HBOC); Hereditary breast and/or ovarian cancer syndrome; Hereditary breast and ovarian cancer syndrome; Hereditary breast and ovarian cancer; Breast and ovarian cancer. Identifiers: Orphanet 145, MedGen C0677776, MeSH D061325, MONDO:0003582. Disease mechanism: loss of function.

Submissions (2):

University of Washington Department of Laboratory Medicine, University of Washington
Classification: Likely benign for Hereditary cancer-predisposing syndrome. Last evaluated: 2023-03-23. Review status: criteria provided, single submitter. Criteria: Dines et al. (Genet Med. 2020). Collection method: curation. Allele origin: germline.
Comment: Missense variant in a coldspot region where missense variants are very unlikely to be pathogenic (PMID:31911673).

BRCA2 exon 10 coldspot. Reclassification based on statistical prior probability.

Labcorp Genetics (formerly Invitae), Labcorp
Classification: Uncertain significance for Hereditary breast ovarian cancer syndrome. Last evaluated: 2022-08-26. Review status: criteria provided, single submitter. Criteria: Invitae Variant Classification Sherloc (09022015). Collection method: clinical testing. Allele origin: germline.
Comment: This sequence change replaces leucine, which is neutral and non-polar, with glutamine, which is neutral and polar, at codon 398 of the BRCA2 protein (p.Leu398Gln). This variant is not present in population databases (gnomAD no frequency). This variant has not been reported in the literature in individuals affected with BRCA2-related conditions. Advanced modeling of protein sequence and biophysical properties (such as structural, functional, and spatial information, amino acid conservation, physicochemical variation, residue mobility, and thermodynamic stability) performed at Invitae indicates that this missense variant is not expected to disrupt BRCA2 protein function. In summary, the available evidence is currently insufficient to determine the role of this variant in disease. Therefore, it has been classified as a Variant of Uncertain Significance.

NM_000059.4(BRCA2):c.1193T>A (p.Leu398Gln)

Gene: BRCA2 (BRCA2 DNA repair associated; plus strand). Cytogenetic location: 13q13.1.
Variant type: single nucleotide variant.
Coding change: c.1193T>A on transcript NM_000059.4 (MANE Select); coding-DNA position 1193, T replaced by A.
Protein change: p.Leu398Gln; replaces leucine 398 with glutamine.
Molecular consequence: missense variant.
Genome position (GRCh38, 1-based): chr13:32,332,671, T>A. VCF-style: chr13-32332671-T-A. GRCh37 (hg19) VCF-style: chr13-32906808-T-A.
Other names: c.1193T>A, p.Leu398Gln (NM_001406719.1, NM_001406720.1, NM_001406721.1); short protein forms L398Q.
Identifiers: ClinVar variation 1718059 (VCV001718059.7), dbSNP rs2548519786, ClinGen allele CA387762032.
Genomic context (GRCh38, chr13:32,332,671, plus strand): 5'-GTGGAAGTGACAAAATCTCCAAGGAAGTTGTACCGTCTTTGGCCTGTGAATGGTCTCAAC[T>A]AACCCTTTCAGGTCTAAATGGAGCCCAGATGGAGAAAATACCCCTATTGCATATTTCTTC-3'
Protein context (NP_000050.3, residues 388-408): VPSLACEWSQ[Leu398Gln]TLSGLNGAQM